The following is an entry in ClinVar:

ClinVar aggregate classification (germline): Likely benign (1 of 4 stars; one submission).

gnomAD v4.1: 3 of 1,599,894 alleles (0.00019%); highest among the groups gnomAD compares: African/African-American, 0.0027%; no homozygotes.

Submission:

Center for Genomic Medicine, Rigshospitalet, Copenhagen University Hospital
Classification: Likely benign. Last evaluated: 2025-12-29. Review status: criteria provided, single submitter. Criteria: ACMG Guidelines, 2015. Collection method: clinical testing. Allele origin: germline.
Comment: Classification criteria: BP4, BP7

NM_024675.4(PALB2):c.3202-35G>A

Gene: PALB2 (partner and localizer of BRCA2; minus strand). Cytogenetic location: 16p12.2.
Variant type: single nucleotide variant.
Coding change: c.3202-35G>A on transcript NM_024675.4 (MANE Select); 35 bases into the intron before coding-DNA position 3202, G replaced by A.
Molecular consequence: intron variant.
Genome position (GRCh38, 1-based): chr16:23,608,047, C>T on the plus strand (G>A on the coding strand, the complement: PALB2 is on the minus strand). VCF-style: chr16-23608047-C-T. GRCh37 (hg19) VCF-style: chr16-23619368-C-T.
Other names: c.2229-4378G>A (NM_001407308.1, NM_001407309.1); c.2317-35G>A (NM_001407306.1, NM_001407305.1, NM_001407304.1); c.736-35G>A (NM_001407314.1); c.1414-4378G>A (NM_001407313.1); c.1414-35G>A (NM_001407312.1); c.3142-35G>A (NM_001407296.1); c.3130-35G>A (NM_001407297.1); c.3040-4378G>A (NM_001407302.1); and 6 more.
Identifiers: ClinVar variation 4539147 (VCV004539147.1).